The following is an entry in ClinVar:

ClinVar aggregate classification (germline): Conflicting classifications of pathogenicity. Review status: criteria provided, conflicting classifications (1 of 4 stars). 10 submissions from 10 submitters: Uncertain significance (1); Likely benign (9). Last evaluated 2026-09-01.

Conditions:
Cardiovascular phenotype. Identifiers: MedGen CN230736.
Dilated cardiomyopathy 1HH (CMD1HH). Identifiers: Orphanet 154, MedGen C3151293, MONDO:0013479, OMIM 613881.
Myofibrillar myopathy 6. Identifiers: Orphanet 199340, MedGen C2751831, MONDO:0013061, OMIM 612954.

Allele frequency attached by ClinVar (database versions not stated): ESP Exome Variant Server 0.00008; TOPMed 0.00009; gnomAD 0.00016 and 0.00018; ExAC 0.00020; gnomAD exomes 0.00027.
gnomAD v4.1: 261 of 1,614,012 alleles (0.016%); highest among the groups gnomAD compares: South Asian, 0.11%; 3 homozygotes.

Submissions (10):

CeGaT Center for Human Genetics Tuebingen
Classification: Likely benign. Last evaluated: 2026-09-01. Review status: criteria provided, single submitter. Criteria: CeGaT Center For Human Genetics Tuebingen Variant Classification Criteria Version 2. Collection method: clinical testing. Allele origin: germline. Affected: yes. Observed: 5 variant alleles.
Comment: BAG3: PM5, BP4, BS1

Women's Health and Genetics/Laboratory Corporation of America, LabCorp
Classification: Likely benign. Last evaluated: 2026-06-01. Review status: criteria provided, single submitter. Criteria: LabCorp Variant Classification Summary - May 2015. Collection method: clinical testing. Allele origin: germline.
Comment: Variant summary: BAG3 c.653G>A (p.Arg218Gln) results in a conservative amino acid change in the encoded protein sequence. Algorithms developed to predict the effect of missense changes on protein structure and function are either unavailable or do not agree on the potential impact of this missense change. The variant allele was found at a frequency of 0.00027 in 251278 control chromosomes, predominantly at a frequency of 0.00091 within the South Asian subpopulation in the gnomAD database, including 1 homozygotes. The observed variant frequency within South Asian control individuals in the gnomAD database exceeds the estimated maximal expected allele frequency for disease-causing variants in BAG3. c.653G>A has been observed in an individual affected with Dilated Cardiomyopathy and also in controls (Norton_2011). These report(s) do not provide unequivocal conclusions about association of the variant with Dilated Cardiomyopathy. To our knowledge, no experimental evidence demonstrating an impact on protein function has been reported. The following publication have been ascertained in the context of this evaluation (PMID: 21353195). ClinVar contains an entry for this variant (Variation ID: 179009). Based on the evidence outlined above, the variant was classified as likely benign.

Labcorp Genetics (formerly Invitae), Labcorp
Classification: Likely benign for Dilated cardiomyopathy 1HH; Myofibrillar myopathy 6. Last evaluated: 2026-02-03. Review status: criteria provided, single submitter. Criteria: Invitae Variant Classification Sherloc (09022015). Collection method: clinical testing. Allele origin: germline.

Molecular Diagnostic Laboratory for Inherited Cardiovascular Disease, Montreal Heart Institute
Classification: Likely benign. Last evaluated: 2025-04-08. Review status: criteria provided, single submitter. Criteria: ACMG Guidelines, 2015. Collection method: clinical testing. Allele origin: germline. Affected: no.

Blueprint Genetics
Classification: Likely benign. Last evaluated: 2024-10-21. Review status: criteria provided, single submitter. Criteria: ACMG Guidelines, 2015. Collection method: clinical testing. Allele origin: germline.

Ambry Genetics
Classification: Likely benign for Cardiovascular phenotype. Last evaluated: 2021-07-06. Review status: criteria provided, single submitter. Criteria: Ambry Variant Classification Scheme 2023. Collection method: clinical testing. Allele origin: germline.

GeneDx
Classification: Likely benign. Last evaluated: 2020-09-25. Review status: criteria provided, single submitter. Criteria: GeneDx Variant Classification Process June 2021. Collection method: clinical testing. Allele origin: germline. Affected: yes.
Comment: This variant is associated with the following publications: (PMID: 23861362, 21353195)

Laboratory for Molecular Medicine, Mass General Brigham Personalized Medicine
Classification: Likely benign. Last evaluated: 2018-09-05. Review status: criteria provided, single submitter. Criteria: LMM Criteria. Collection method: clinical testing. Allele origin: germline. Observed: 2 variant alleles.
Comment: proposed classification - variant undergoing re-assessment, contact laboratory

Stanford Center for Inherited Cardiovascular Disease, Stanford University
Classification: Uncertain significance. Last evaluated: 2016-05-27. Review status: criteria provided, single submitter. Criteria: ACMG Guidelines, 2015. Collection method: provider interpretation. Allele origin: germline.

Biesecker Lab/Clinical Genomics Section, National Institutes of Health
Classification: Likely benign. Last evaluated: 2013-06-24. Review status: criteria provided, single submitter. Criteria: Ng et al. (Circ Cardiovasc Genet. 2013). Collection method: research. Allele origin: unknown. Observed: 3 variant alleles. Study: ClinSeq.
Comment: The study set was not selected for affection status in relation to any cancer. Pathogenicity categories were based on literature curation. See Pubmed ID:23861362 for details.

Medical sequencing

Literature cited by the submitters: PubMed 21353195 (cited by 3 submitters); PubMed 28254189 (cited by Ambry Genetics); PubMed 30847666 (cited by Ambry Genetics).

NM_004281.4(BAG3):c.653G>A (p.Arg218Gln)

Gene: BAG3 (BAG cochaperone 3; plus strand). Cytogenetic location: 10q26.11.
Variant type: single nucleotide variant.
Coding change: c.653G>A on transcript NM_004281.4 (MANE Select); coding-DNA position 653, G replaced by A.
Protein change: p.Arg218Gln; replaces arginine 218 with glutamine.
Molecular consequence: missense variant.
Genome position (GRCh38, 1-based): chr10:119,672,400, G>A. VCF-style: chr10-119672400-G-A. GRCh37 (hg19) VCF-style: chr10-121431912-G-A.
Other names: short protein forms R218Q.
Identifiers: ClinVar variation 179009 (VCV000179009.42), dbSNP rs201638005, ClinGen allele CA183490.